The following is an entry in ClinVar:

ClinVar aggregate classification (germline): Uncertain significance (1 of 4 stars; one submission).

Allele frequency attached by ClinVar (database versions not stated): gnomAD exomes below 0.00001; ExAC 0.00006.
gnomAD v4.1: 1 of 1,537,128 alleles (0.000065%); no homozygotes.

Submission:

Labcorp Genetics (formerly Invitae), Labcorp
Classification: Uncertain significance. Last evaluated: 2023-04-22. Review status: criteria provided, single submitter. Criteria: Invitae Variant Classification Sherloc (09022015). Collection method: clinical testing. Allele origin: germline.
Comment: This sequence change replaces proline, which is neutral and non-polar, with leucine, which is neutral and non-polar, at codon 1784 of the PIEZO2 protein (p.Pro1784Leu). This variant is present in population databases (rs755690199, gnomAD 0.01%). This variant has not been reported in the literature in individuals affected with PIEZO2-related conditions. Advanced modeling of protein sequence and biophysical properties (such as structural, functional, and spatial information, amino acid conservation, physicochemical variation, residue mobility, and thermodynamic stability) performed at Invitae indicates that this missense variant is not expected to disrupt PIEZO2 protein function. In summary, the available evidence is currently insufficient to determine the role of this variant in disease. Therefore, it has been classified as a Variant of Uncertain Significance.

NM_001378183.1(PIEZO2):c.5690C>T (p.Pro1897Leu)

Gene: PIEZO2 (piezo type mechanosensitive ion channel component 2; minus strand). Cytogenetic location: 18p11.22.
Variant type: single nucleotide variant.
Coding change: c.5690C>T on transcript NM_001378183.1 (MANE Select); coding-DNA position 5690, C replaced by T.
Protein change: p.Pro1897Leu; replaces proline 1897 with leucine.
Molecular consequence: missense variant.
Genome position (GRCh38, 1-based): chr18:10,705,645, G>A on the plus strand (C>T on the coding strand, the complement: PIEZO2 is on the minus strand). VCF-style: chr18-10705645-G-A. GRCh37 (hg19) VCF-style: chr18-10705643-G-A.
Other names: c.5426C>T, p.Pro1809Leu (NM_001410871.1); c.5351C>T, p.Pro1784Leu (NM_022068.4); short protein forms P1809L, P1784L, P1897L.
Identifiers: ClinVar variation 2858361 (VCV002858361.3), dbSNP rs755690199, ClinGen allele CA8892319.
Genomic context (GRCh38, chr18:10,705,645, plus strand): 5'-GCACCCATGGCTCCCACATCGTACCCAGTGGCCTCGTACTCCTTGGCCTCCCTGGGCTCA[G>A]GCGCCGTGCTCCCTGCCTCCTCCTCCTGCTCAGCCTCCACCTCCTCGATGGTCTCAGTGG-3'
Protein context (NP_001365112.1, residues 1887-1907): EQEEEAGSTA[Pro1897Leu]EPREAKEYEA